The following is an entry in ClinVar:

NC_000003.12:g.(?_94035331)_(94061511_?)dup

Genes: DHFR2 (dihydrofolate reductase 2; minus strand), ARL13B (ARF like GTPase 13B; plus strand). Cytogenetic location: 3q11.1.
Variant type: Duplication.
Identifiers: ClinVar variation 832017 (VCV000832017.8).

ClinVar aggregate classification (germline): Uncertain significance (1 of 4 stars; one submission).

Conditions:
Joubert syndrome 8 (JBTS8). Identifiers: Orphanet 475, MedGen C2676771, MONDO:0012855, OMIM 612291.

Submission:

Labcorp Genetics (formerly Invitae), Labcorp
Classification: Uncertain significance for Joubert syndrome 8. Last evaluated: 2022-06-27. Review status: criteria provided, single submitter. Criteria: Invitae Variant Classification Sherloc (09022015). Collection method: clinical testing. Allele origin: germline.
Comment: In summary, the available evidence is currently insufficient to determine the role of this variant in disease. Therefore, it has been classified as a Variant of Uncertain Significance. Experimental studies and prediction algorithms are not available or were not evaluated, and the functional significance of this variant is currently unknown. This variant has not been reported in the literature in individuals affected with ARL13B-related conditions. This variant results in a copy number gain of the genomic region encompassing exon(s) 4-11 of the ARL13B gene. This region includes the termination codon of the gene. This copy number gain extends beyond the assayed region for this gene and therefore may encompass additional genes. As the precise location of this event is unknown, it may be in tandem or it may be located elsewhere in the genome.